The following is an entry in ClinVar:

ClinVar aggregate classification (germline): Uncertain significance (1 of 4 stars; one submission).

Conditions:
Dilated cardiomyopathy 1G (CMD1G). Identifiers: Orphanet 154, MedGen C1858763, MONDO:0011400, OMIM 604145.
Autosomal recessive limb-girdle muscular dystrophy type 2J (LGMDR10). Also called: Limb-girdle muscular dystrophy, type 2J; MUSCULAR DYSTROPHY, LIMB-GIRDLE, AUTOSOMAL RECESSIVE 10. Identifiers: Orphanet 140922, MedGen C1837342, MONDO:0012127, OMIM 608807.

Allele frequency attached by ClinVar (database versions not stated): gnomAD exomes 0.00001.
gnomAD v4.1: 3 of 1,613,938 alleles (0.00019%); highest among the groups gnomAD compares: East Asian, 0.0045%; no homozygotes.

Submission:

Labcorp Genetics (formerly Invitae), Labcorp
Classification: Uncertain significance for Dilated cardiomyopathy 1G; Autosomal recessive limb-girdle muscular dystrophy type 2J. Last evaluated: 2018-04-05. Review status: criteria provided, single submitter. Criteria: Invitae Variant Classification Sherloc (09022015). Collection method: clinical testing. Allele origin: germline.
Comment: This variant is not present in population databases (ExAC no frequency). This sequence change replaces alanine with aspartic acid at codon 35221 of the TTN protein (p.Ala35221Asp). There is a moderate physicochemical difference between alanine and aspartic acid. This variant has not been reported in the literature in individuals with TTN-related disease. Algorithms developed to predict the effect of missense changes on protein structure and function are unavailable for the TTN gene. Variants in this region of the TTN gene have not been reported to cause cardiomyopathy, but may be relevant for neuromuscular disorders (PMID: 23975875). This variant identified in the TTN gene is located in the M band of the resulting protein (PMID: 25589632). It is unclear how this variant impacts the function of this protein. In summary, the available evidence is currently insufficient to determine the role of this variant in disease. Therefore, it has been classified as a Variant of Uncertain Significance.

Literature cited by the submitters: PubMed 23975875; PubMed 25589632.

NM_001267550.2(TTN):c.105662C>A (p.Ala35221Asp)

Genes: TTN-AS1 (TTN antisense RNA 1; plus strand), TTN (titin; minus strand), LOC129935183 (ATAC-STARR-seq lymphoblastoid active region 16808; plus strand). Cytogenetic location: 2q31.2.
Variant type: single nucleotide variant.
Coding change: c.105662C>A on transcript NM_001267550.2 (MANE Select); coding-DNA position 105662, C replaced by A.
Protein change: p.Ala35221Asp; replaces alanine 35221 with aspartic acid.
Molecular consequence: missense variant.
Genome position (GRCh38, 1-based): chr2:178,530,953, G>T on the plus strand (C>A on the coding strand, the complement: TTN is on the minus strand). VCF-style: chr2-178530953-G-T. GRCh37 (hg19) VCF-style: chr2-179395680-G-T.
Other names: c.100739C>A, p.Ala33580Asp (NM_001256850.1); c.78467C>A, p.Ala26156Asp (NM_003319.4); c.97958C>A, p.Ala32653Asp (NM_133378.4); c.78842C>A, p.Ala26281Asp (NM_133432.3); c.79043C>A, p.Ala26348Asp (NM_133437.4); short protein forms A35221D, A26281D, A32653D, A26156D, A26348D, A33580D.
Identifiers: ClinVar variation 580856 (VCV000580856.7), dbSNP rs1558992011, ClinGen allele CA349408178.